The following is an entry in ClinVar:

NM_001851.6(COL9A1):c.1504-14T>A

Gene: COL9A1 (collagen type IX alpha 1 chain; minus strand). Cytogenetic location: 6q13.
Variant type: single nucleotide variant.
Coding change: c.1504-14T>A on transcript NM_001851.6 (MANE Select); 14 bases into the intron before coding-DNA position 1504, T replaced by A.
Molecular consequence: intron variant.
Genome position (GRCh38, 1-based): chr6:70,255,404, A>T on the plus strand (T>A on the coding strand, the complement: COL9A1 is on the minus strand). VCF-style: chr6-70255404-A-T. GRCh37 (hg19) VCF-style: chr6-70965107-A-T.
Other names: c.775-14T>A (NM_001377290.1, NM_078485.4, NM_001377289.1).
Identifiers: ClinVar variation 258343 (VCV000258343.11), dbSNP rs537940, ClinGen allele CA3882158.

ClinVar aggregate classification (germline): Benign. Review status: criteria provided, multiple submitters, no conflicts (2 of 4 stars). 4 submissions from 4 submitters: Benign (4). Last evaluated 2026-05-11.

Allele frequency attached by ClinVar (database versions not stated): 1000 Genomes Project 0.04193; gnomAD 0.03954 and 0.04260; 1000 Genomes Project 30x 0.04450; gnomAD exomes 0.01048 and 0.00389; ExAC 0.01269; ESP Exome Variant Server 0.04375; TOPMed 0.04565.
gnomAD v4.1: 12,030 of 1,613,222 alleles (0.75%); highest among the groups gnomAD compares: African/African-American, 14%; 731 homozygotes.

Submissions (4):

Women's Health and Genetics/Laboratory Corporation of America, LabCorp
Classification: Benign. Last evaluated: 2026-05-11. Review status: criteria provided, single submitter. Criteria: LabCorp Variant Classification Summary - May 2015. Collection method: clinical testing. Allele origin: germline.

Labcorp Genetics (formerly Invitae), Labcorp
Classification: Benign. Last evaluated: 2026-02-02. Review status: criteria provided, single submitter. Criteria: Invitae Variant Classification Sherloc (09022015). Collection method: clinical testing. Allele origin: germline.

GeneDx
Classification: Benign. Last evaluated: 2016-10-30. Review status: criteria provided, single submitter. Criteria: GeneDx Variant Classification (06012015). Collection method: clinical testing. Allele origin: germline. Affected: yes.
Comment: This variant is considered likely benign or benign based on one or more of the following criteria: it is a conservative change, it occurs at a poorly conserved position in the protein, it is predicted to be benign by multiple in silico algorithms, and/or has population frequency not consistent with disease.

PreventionGenetics, part of Exact Sciences
Classification: Benign. Review status: criteria provided, single submitter. Criteria: ACMG Guidelines, 2015. Collection method: clinical testing. Allele origin: germline.